The following is an entry in ClinVar:

ClinVar aggregate classification (germline): Uncertain significance. Review status: criteria provided, multiple submitters, no conflicts (2 of 4 stars). 2 submissions from 2 submitters: Uncertain significance (2). Last evaluated 2024-06-13.

Submissions (2):

Labcorp Genetics (formerly Invitae), Labcorp
Classification: Uncertain significance. Last evaluated: 2024-06-13. Review status: criteria provided, single submitter. Criteria: Invitae Variant Classification Sherloc (09022015). Collection method: clinical testing. Allele origin: germline.
Comment: This sequence change replaces arginine, which is basic and polar, with glutamine, which is neutral and polar, at codon 353 of the KRT71 protein (p.Arg353Gln). This variant is present in population databases (no rsID available, gnomAD 0.0009%). This variant has not been reported in the literature in individuals affected with KRT71-related conditions. ClinVar contains an entry for this variant (Variation ID: 2412078). Advanced modeling of protein sequence and biophysical properties (such as structural, functional, and spatial information, amino acid conservation, physicochemical variation, residue mobility, and thermodynamic stability) performed at Invitae indicates that this missense variant is not expected to disrupt KRT71 protein function with a negative predictive value of 80%. In summary, the available evidence is currently insufficient to determine the role of this variant in disease. Therefore, it has been classified as a Variant of Uncertain Significance.

Ambry Genetics
Classification: Uncertain significance. Last evaluated: 2021-08-13. Review status: criteria provided, single submitter. Criteria: Ambry Variant Classification Scheme 2023. Collection method: clinical testing. Allele origin: germline.

NM_033448.3(KRT71):c.1058G>A (p.Arg353Gln)

Gene: KRT71 (keratin 71; minus strand). Cytogenetic location: 12q13.13.
Variant type: single nucleotide variant.
Coding change: c.1058G>A on transcript NM_033448.3 (MANE Select); coding-DNA position 1058, G replaced by A.
Protein change: p.Arg353Gln; replaces arginine 353 with glutamine.
Molecular consequence: missense variant.
Genome position (GRCh38, 1-based): chr12:52,547,903, C>T on the plus strand (G>A on the coding strand, the complement: KRT71 is on the minus strand). VCF-style: chr12-52547903-C-T. GRCh37 (hg19) VCF-style: chr12-52941687-C-T.
Other names: short protein forms R353Q.
Identifiers: ClinVar variation 2412078 (VCV002412078.4), dbSNP rs1272540966, ClinGen allele CA384944944.